The following is an entry in ClinVar:

NM_002693.3(POLG):c.3643+226C>G

Genes: FANCI (FA complementation group I; plus strand), POLG (DNA polymerase gamma, catalytic subunit; minus strand). Cytogenetic location: 15q26.1.
Variant type: single nucleotide variant.
Coding change: c.3643+226C>G on transcript NM_002693.3 (MANE Select); 226 bases into the intron after coding-DNA position 3643, C replaced by G.
Molecular consequence: intron variant. On other transcripts: 3 prime UTR variant (1).
Genome position (GRCh38, 1-based): chr15:89,317,150, G>C on the plus strand (C>G on the coding strand, the complement: POLG is on the minus strand). VCF-style: chr15-89317150-G-C. GRCh37 (hg19) VCF-style: chr15-89860381-G-C.
Other names: c.*691G>C (NM_018193.3); c.3643+226C>G (NM_001126131.2).
Identifiers: ClinVar variation 677352 (VCV000677352.4), dbSNP rs1860022, ClinGen allele CA274538942.

ClinVar aggregate classification (germline): Benign. Review status: criteria provided, multiple submitters, no conflicts (2 of 4 stars). 2 submissions from 2 submitters: Benign (2). Last evaluated 2018-06-14.

Allele frequency attached by ClinVar (database versions not stated): TOPMed 0.04509; 1000 Genomes Project 0.04772; 1000 Genomes Project 30x 0.04872.
gnomAD v4.1: 8,673 of 604,160 alleles (1.4%); highest among the groups gnomAD compares: African/African-American, 14%; 478 homozygotes.

Submissions (2):

GeneDx
Classification: Benign. Last evaluated: 2018-06-14. Review status: criteria provided, single submitter. Criteria: GeneDx Variant Classification (06012015). Collection method: clinical testing. Allele origin: germline. Affected: yes.
Comment: This variant is considered likely benign or benign based on one or more of the following criteria: it is a conservative change, it occurs at a poorly conserved position in the protein, it is predicted to be benign by multiple in silico algorithms, and/or has population frequency not consistent with disease.

Breakthrough Genomics
Classification: Benign. Review status: criteria provided, single submitter. Criteria: ACMG Guidelines, 2015. Collection method: not provided. Allele origin: germline. Inheritance: Autosomal recessive inheritance. Affected: yes.